The following is an entry in ClinVar:

NM_014444.5(TUBGCP4):c.1517C>T (p.Ser506Leu)

Gene: TUBGCP4 (tubulin gamma complex component 4; plus strand). Cytogenetic location: 15q15.3.
Variant type: single nucleotide variant.
Coding change: c.1517C>T on transcript NM_014444.5 (MANE Select); coding-DNA position 1517, C replaced by T.
Protein change: p.Ser506Leu; replaces serine 506 with leucine.
Molecular consequence: missense variant.
Genome position (GRCh38, 1-based): chr15:43,400,142, C>T. VCF-style: chr15-43400142-C-T. GRCh37 (hg19) VCF-style: chr15-43692340-C-T.
Other names: c.1520C>T, p.Ser507Leu (NM_001286414.3); short protein forms S506L, S507L.
Identifiers: ClinVar variation 2080322 (VCV002080322.1), dbSNP rs745825926, ClinGen allele CA7524109.

ClinVar aggregate classification (germline): Uncertain significance (1 of 4 stars; one submission).

Allele frequency attached by ClinVar (database versions not stated): TOPMed below 0.00001; ExAC 0.00001.
gnomAD v4.1: 5 of 1,614,162 alleles (0.00031%); highest among the groups gnomAD compares: Non-Finnish European, 0.00017%; no homozygotes.

Submission:

Labcorp Genetics (formerly Invitae), Labcorp
Classification: Uncertain significance. Last evaluated: 2022-07-05. Review status: criteria provided, single submitter. Criteria: Invitae Variant Classification Sherloc (09022015). Collection method: clinical testing. Allele origin: germline.
Comment: This sequence change replaces serine, which is neutral and polar, with leucine, which is neutral and non-polar, at codon 507 of the TUBGCP4 protein (p.Ser507Leu). This variant is present in population databases (rs745825926, gnomAD 0.004%). This variant has not been reported in the literature in individuals affected with TUBGCP4-related conditions. Algorithms developed to predict the effect of missense changes on protein structure and function (SIFT, PolyPhen-2, Align-GVGD) all suggest that this variant is likely to be tolerated. In summary, the available evidence is currently insufficient to determine the role of this variant in disease. Therefore, it has been classified as a Variant of Uncertain Significance.